The following is an entry in ClinVar:

NM_144639.3(UROC1):c.1365G>A (p.Ser455=)

Gene: UROC1 (urocanate hydratase 1; minus strand). Cytogenetic location: 3q21.3.
Variant type: single nucleotide variant.
Coding change: c.1365G>A on transcript NM_144639.3 (MANE Select); coding-DNA position 1365, G replaced by A.
Protein change: p.Ser455=; no amino-acid change (serine 455 retained).
Molecular consequence: synonymous variant.
Genome position (GRCh38, 1-based): chr3:126,498,124, C>T on the plus strand (G>A on the coding strand, the complement: UROC1 is on the minus strand). VCF-style: chr3-126498124-C-T. GRCh37 (hg19) VCF-style: chr3-126216967-C-T.
Other names: c.1545G>A, p.Ser515= (NM_001165974.2).
Identifiers: ClinVar variation 778110 (VCV000778110.25), dbSNP rs148955397, ClinGen allele CA2591057.

ClinVar aggregate classification (germline): Benign/Likely benign. Review status: criteria provided, multiple submitters, no conflicts (2 of 4 stars). 4 submissions from 4 submitters: Benign (2); Likely benign (2). Last evaluated 2025-12-11.

Conditions:
UROC1-related disorder. Also called: UROC1-related condition.

Allele frequency attached by ClinVar (database versions not stated): ESP Exome Variant Server 0.00015; TOPMed 0.00024; gnomAD 0.00025 and 0.00037; gnomAD exomes 0.00075; ExAC 0.00077; 1000 Genomes Project 0.00080; 1000 Genomes Project 30x 0.00094.
gnomAD v4.1: 640 of 1,614,158 alleles (0.04%); highest among the groups gnomAD compares: Middle Eastern, 0.33%; 3 homozygotes.

Submissions (4):

PreventionGenetics, part of Exact Sciences
Classification: Likely benign for UROC1-related condition. Last evaluated: 2025-12-11. Review status: criteria provided, single submitter. Criteria: ACMG Guidelines, 2015. Collection method: clinical testing. Allele origin: germline.
Comment: This variant is classified as likely benign based on ACMG/AMP sequence variant interpretation guidelines (Richards et al. 2015 PMID: 25741868, with internal and published modifications).

CeGaT Center for Human Genetics Tuebingen
Classification: Likely benign. Last evaluated: 2024-05-01. Review status: criteria provided, single submitter. Criteria: CeGaT Center For Human Genetics Tuebingen Variant Classification Criteria Version 2. Collection method: clinical testing. Allele origin: germline. Affected: yes. Observed: 1 variant allele.
Comment: UROC1: BP4, BP7

Labcorp Genetics (formerly Invitae), Labcorp
Classification: Benign. Last evaluated: 2019-12-31. Review status: criteria provided, single submitter. Criteria: Invitae Variant Classification Sherloc (09022015). Collection method: clinical testing. Allele origin: germline.

Breakthrough Genomics
Classification: Benign. Review status: criteria provided, single submitter. Criteria: ACMG Guidelines, 2015. Collection method: not provided. Allele origin: germline. Inheritance: Autosomal recessive inheritance. Affected: yes.